The following is an entry in ClinVar:

NM_001008216.2(GALE):c.291G>A (p.Ser97=)

Gene: GALE (UDP-galactose-4-epimerase; minus strand). Cytogenetic location: 1p36.11.
Variant type: single nucleotide variant.
Coding change: c.291G>A on transcript NM_001008216.2 (MANE Select); coding-DNA position 291, G replaced by A.
Protein change: p.Ser97=; no amino-acid change (serine 97 retained).
Molecular consequence: synonymous variant.
Genome position (GRCh38, 1-based): chr1:23,798,177, C>T on the plus strand (G>A on the coding strand, the complement: GALE is on the minus strand). VCF-style: chr1-23798177-C-T. GRCh37 (hg19) VCF-style: chr1-24124667-C-T.
Other names: c.291G>A, p.Ser97= (NM_000403.4, NM_001127621.2).
Identifiers: ClinVar variation 731162 (VCV000731162.20), dbSNP rs774474579, ClinGen allele CA685703.

ClinVar aggregate classification (germline): Likely benign. Review status: criteria provided, multiple submitters, no conflicts (2 of 4 stars). 2 submissions from 2 submitters: Likely benign (2). Last evaluated 2025-02-01.

Conditions:
UDPglucose-4-epimerase deficiency. Also called: Galactose epimerase deficiency; UDPglucose 4-Epimerase Deficiency Disease; GALACTOSEMIA III; GALE DEFICIENCY; UDP-GALACTOSE-4-EPIMERASE DEFICIENCY; Epimerase Deficiency Galactosemia. Identifiers: Orphanet 352, Orphanet 79238, MedGen C0751161, MONDO:0009257, OMIM 230350.

Allele frequency attached by ClinVar (database versions not stated): ExAC 0.00001; gnomAD 0.00002; TOPMed 0.00002; gnomAD exomes 0.00003.

Submissions (3):

CeGaT Center for Human Genetics Tuebingen
Classification: Likely benign. Last evaluated: 2025-02-01. Review status: criteria provided, single submitter. Criteria: CeGaT Center For Human Genetics Tuebingen Variant Classification Criteria Version 2. Collection method: clinical testing. Allele origin: germline. Affected: yes. Observed: 1 variant allele.
Comment: GALE: BP4, BP7

Labcorp Genetics (formerly Invitae), Labcorp
Classification: Likely benign for UDPglucose-4-epimerase deficiency. Last evaluated: 2024-03-04. Review status: criteria provided, single submitter. Criteria: Invitae Variant Classification Sherloc (09022015). Collection method: clinical testing. Allele origin: germline.

Dr. Peter K. Rogan Lab, Western University
No classification provided (evidence only). Condition: Malignant tumor of urinary bladder. Review status: no classification provided. Collection method: in vitro. Allele origin: not applicable. Functional consequence: retained intron. Not counted in ClinVar's aggregate classification.